The following is an entry in ClinVar:

ClinVar aggregate classification (germline): Likely pathogenic (1 of 4 stars; one submission).

Submission:

GeneDx
Classification: Likely pathogenic. Last evaluated: 2022-03-04. Review status: criteria provided, single submitter. Criteria: GeneDx Variant Classification Process June 2021. Collection method: clinical testing. Allele origin: germline. Affected: yes.
Comment: Has not been previously published as pathogenic or benign to our knowledge; Not observed at significant frequency in large population cohorts (gnomAD); Frameshift variant predicted to result in protein truncation or nonsense mediated decay in a gene for which loss-of-function is a known mechanism of disease

NM_001943.5(DSG2):c.1084_1086delinsT (p.Lys362fs)

Gene: DSG2 (desmoglein 2; plus strand). Cytogenetic location: 18q12.1.
Variant type: Indel.
Coding change: c.1084_1086delinsT on transcript NM_001943.5 (MANE Select); coding-DNA positions 1084 to 1086, AAG replaced by T.
Protein change: p.Lys362fs; shifts the reading frame from lysine 362.
Molecular consequence: frameshift variant.
Genome position (GRCh38, 1-based): chr18:31,531,056-31,531,058, AAG replaced by T. VCF-style: chr18-31531056-AAG-T. GRCh37 (hg19) VCF-style: chr18-29111019-AAG-T.
Other names: short protein forms K362fs.
Identifiers: ClinVar variation 1343046 (VCV001343046.2), dbSNP rs2144332631, ClinGen allele CA2573054648.